The following is an entry in ClinVar:

NM_001085487.3(MYSM1):c.704A>C (p.Gln235Pro)

Gene: MYSM1 (Myb like, SWIRM and MPN domains 1; minus strand). Cytogenetic location: 1p32.1.
Variant type: single nucleotide variant.
Coding change: c.704A>C on transcript NM_001085487.3 (MANE Select); coding-DNA position 704, A replaced by C.
Protein change: p.Gln235Pro; replaces glutamine 235 with proline.
Molecular consequence: missense variant.
Genome position (GRCh38, 1-based): chr1:58,682,340, T>G on the plus strand (A>C on the coding strand, the complement: MYSM1 is on the minus strand). VCF-style: chr1-58682340-T-G. GRCh37 (hg19) VCF-style: chr1-59148012-T-G.
Other names: short protein forms Q235P.
Identifiers: ClinVar variation 3402197 (VCV003402197.2).
Genomic context (GRCh38, chr1:58,682,340, plus strand): 5'-TGCATTTTACTATTAGGAAAGTCTAACAAGAGATCACTGCTAGAATTCTTCTGGGGTGTT[T>G]GAGAAGACAACTCGTCCACCTCATCTGTGATGTCTACTTCTTCATCATCAGATAACTTTT-3'
Protein context (NP_001078956.1, residues 225-245): ITDEVDELSS[Gln235Pro]TPQKNSSSDL

ClinVar aggregate classification (germline): Uncertain significance. Review status: criteria provided, multiple submitters, no conflicts (2 of 4 stars). 2 submissions from 2 submitters: Uncertain significance (2). Last evaluated 2024-08-31.

Conditions:
Inborn genetic diseases. Identifiers: MedGen C0950123, MeSH D030342.

gnomAD v4.1: 2 of 1,614,000 alleles (0.00012%); highest among the groups gnomAD compares: Admixed American, 0.0033%; no homozygotes.

Submissions (2):

Labcorp Genetics (formerly Invitae), Labcorp
Classification: Uncertain significance. Last evaluated: 2024-08-31. Review status: criteria provided, single submitter. Criteria: Invitae Variant Classification Sherloc (09022015). Collection method: clinical testing. Allele origin: germline.
Comment: This sequence change replaces glutamine, which is neutral and polar, with proline, which is neutral and non-polar, at codon 235 of the MYSM1 protein (p.Gln235Pro). This variant is present in population databases (rs750433136, gnomAD 0.006%). This variant has not been reported in the literature in individuals affected with MYSM1-related conditions. Invitae Evidence Modeling of protein sequence and biophysical properties (such as structural, functional, and spatial information, amino acid conservation, physicochemical variation, residue mobility, and thermodynamic stability) indicates that this missense variant is not expected to disrupt MYSM1 protein function with a negative predictive value of 80%. In summary, the available evidence is currently insufficient to determine the role of this variant in disease. Therefore, it has been classified as a Variant of Uncertain Significance.

Ambry Genetics
Classification: Uncertain significance for Inborn genetic diseases. Last evaluated: 2024-07-27. Review status: criteria provided, single submitter. Criteria: Ambry Variant Classification Scheme 2023. Collection method: clinical testing. Allele origin: germline.